The following is an entry in ClinVar:

ClinVar aggregate classification (germline): Benign (1 of 4 stars; one submission).

Conditions:
Leigh syndrome (NULS). Also called: Leigh's necrotizing encephalopathy; Leigh's disease; Leigh Syndrome (mtDNA deletion); Leigh Disease; Subacute necrotizing encephalopathy; Necrotizing encephalopathy infantile subacute of Leigh. Identifiers: Orphanet 506, MedGen C2931891, MONDO:0009723, OMIM 256000.

Submission:

Wong Mito Lab, Molecular and Human Genetics, Baylor College of Medicine
Classification: Benign for Leigh syndrome. Last evaluated: 2019-10-17. Review status: criteria provided, single submitter. Criteria: Modified ACMG Guidelines (Unpublished). Collection method: clinical testing. Allele origin: germline.
Comment: The NC_012920.1:m.12880T>C (YP_003024036.1:p.Phe182Leu) variant in MTND5 gene is interpretated to be a Benign variant based on the modified ACMG guidelines (unpublished). This variant meets the following evidence codes: BS1, BS2, BP4

NC_012920.1(MT-ND5):m.12880T>C

Gene: MT-ND5 (mitochondrially encoded NADH dehydrogenase 5; plus strand).
Variant type: single nucleotide variant.
Genome position: chrM-12880-T-C.
Identifiers: ClinVar variation 693495 (VCV000693495.1), dbSNP rs28719001, ClinGen allele CA414815296.
Genomic context (GRCh38, chrMT:12,880, plus strand): 5'-GCAGATGCCAACACAGCAGCCATTCAAGCAATCCTATACAACCGTATCGGCGATATCGGT[T>C]TCATCCTCGCCTTAGCATGATTTATCCTACACTCCAACTCATGAGACCCACAACAAATAG-3'